The following is an entry in ClinVar:

NM_000368.5(TSC1):c.1420G>C (p.Glu474Gln)

Gene: TSC1 (TSC complex subunit 1; minus strand). Cytogenetic location: 9q34.13.
Variant type: single nucleotide variant.
Coding change: c.1420G>C on transcript NM_000368.5 (MANE Select); coding-DNA position 1420, G replaced by C.
Protein change: p.Glu474Gln; replaces glutamic acid 474 with glutamine.
Molecular consequence: missense variant.
Genome position (GRCh38, 1-based): chr9:132,906,749, C>G on the plus strand (G>C on the coding strand, the complement: TSC1 is on the minus strand). VCF-style: chr9-132906749-C-G. GRCh37 (hg19) VCF-style: chr9-135782136-C-G.
Other names: c.1417G>C, p.Glu473Gln (NM_001162426.2); c.1267G>C, p.Glu423Gln (NM_001162427.2); c.1057G>C, p.Glu353Gln (NM_001362177.2); short protein forms E353Q, E474Q, E473Q, E423Q.
Identifiers: ClinVar variation 1513951 (VCV001513951.6), dbSNP rs2131862581, ClinGen allele CA375365817.
Genomic context (GRCh38, chr9:132,906,749, plus strand): 5'-GGGTCAGGTTTTATCAACTCATAGCAATCCCACATACATTACCTTCTTCTTTATCTTTTT[C>G]AATACTATCTTCTTCAGAGGCCAGATCACCTAAAAACCCTGGAAGATCACTTAGAGTGAC-3'
Protein context (NP_000359.1, residues 464-484): GDLASEEDSI[Glu474Gln]KDKEEAAISR

ClinVar aggregate classification (germline): Uncertain significance (1 of 4 stars; one submission).

Conditions:
Tuberous sclerosis 1 (TSC1). Identifiers: Orphanet 805, MedGen C1854465, MONDO:0008612, OMIM 191100.

Submission:

Labcorp Genetics (formerly Invitae), Labcorp
Classification: Uncertain significance for Tuberous sclerosis 1. Last evaluated: 2021-08-19. Review status: criteria provided, single submitter. Criteria: Invitae Variant Classification Sherloc (09022015). Collection method: clinical testing. Allele origin: germline.
Comment: Algorithms developed to predict the effect of missense changes on protein structure and function are either unavailable or do not agree on the potential impact of this missense change (SIFT: "Tolerated"; PolyPhen-2: "Probably Damaging"; Align-GVGD: "Class C0"). In summary, the available evidence is currently insufficient to determine the role of this variant in disease. Therefore, it has been classified as a Variant of Uncertain Significance. This sequence change replaces glutamic acid with glutamine at codon 474 of the TSC1 protein (p.Glu474Gln). The glutamic acid residue is moderately conserved and there is a small physicochemical difference between glutamic acid and glutamine. This variant is not present in population databases (ExAC no frequency). This variant has not been reported in the literature in individuals affected with TSC1-related conditions.